The following is an entry in ClinVar:

NM_176787.5(PIGN):c.2498G>A (p.Trp833Ter)

Gene: PIGN (phosphatidylinositol glycan anchor biosynthesis class N; minus strand). Cytogenetic location: 18q21.33.
Variant type: single nucleotide variant.
Coding change: c.2498G>A on transcript NM_176787.5 (MANE Select); coding-DNA position 2498, G replaced by A.
Protein change: p.Trp833Ter; replaces tryptophan 833 with a stop codon.
Molecular consequence: nonsense.
Genome position (GRCh38, 1-based): chr18:62,084,535, C>T on the plus strand (G>A on the coding strand, the complement: PIGN is on the minus strand). VCF-style: chr18-62084535-C-T. GRCh37 (hg19) VCF-style: chr18-59751768-C-T.
Other names: c.2498G>A, p.Trp833Ter (NM_012327.6); short protein forms W833*.
Identifiers: ClinVar variation 2959573 (VCV002959573.3), dbSNP rs2512420239, ClinGen allele CA402601163.

ClinVar aggregate classification (germline): Pathogenic (1 of 4 stars; one submission).

Conditions:
Multiple congenital anomalies-hypotonia-seizures syndrome 1 (MCAHS1). Also called: GLYCOSYLPHOSPHATIDYLINOSITOL BIOSYNTHESIS DEFECT 3; PIGN-CDG; Congenital disorder of glycosylation due to PIGN deficiency. Identifiers: Orphanet 280633, MedGen C3279775, MONDO:0013563, OMIM 614080.

Submission:

Labcorp Genetics (formerly Invitae), Labcorp
Classification: Pathogenic for Multiple congenital anomalies-hypotonia-seizures syndrome 1. Last evaluated: 2023-10-14. Review status: criteria provided, single submitter. Criteria: Invitae Variant Classification Sherloc (09022015). Collection method: clinical testing. Allele origin: germline.
Comment: This sequence change creates a premature translational stop signal (p.Trp833*) in the PIGN gene. It is expected to result in an absent or disrupted protein product. Loss-of-function variants in PIGN are known to be pathogenic (PMID: 24253414, 27038415). This variant is not present in population databases (gnomAD no frequency). This variant has not been reported in the literature in individuals affected with PIGN-related conditions. For these reasons, this variant has been classified as Pathogenic.

Literature cited by the submitters: PubMed 24253414; PubMed 27038415.